The following is an entry in ClinVar:

ClinVar aggregate classification (germline): Uncertain significance (1 of 4 stars; one submission).

Allele frequency attached by ClinVar (database versions not stated): gnomAD 0.00001; gnomAD exomes 0.00001; TOPMed 0.00002.
gnomAD v4.1: 3 of 1,605,142 alleles (0.00019%); highest among the groups gnomAD compares: Admixed American, 0.005%; no homozygotes.

Submission:

Labcorp Genetics (formerly Invitae), Labcorp
Classification: Uncertain significance. Last evaluated: 2021-12-22. Review status: criteria provided, single submitter. Criteria: Invitae Variant Classification Sherloc (09022015). Collection method: clinical testing. Allele origin: germline.
Comment: In summary, the available evidence is currently insufficient to determine the role of this variant in disease. Therefore, it has been classified as a Variant of Uncertain Significance. Algorithms developed to predict the effect of sequence changes on RNA splicing suggest that this variant may create or strengthen a splice site. Algorithms developed to predict the effect of missense changes on protein structure and function are either unavailable or do not agree on the potential impact of this missense change (SIFT: "Tolerated"; PolyPhen-2: "Not Available"; Align-GVGD: "Class C0"). This variant has not been reported in the literature in individuals affected with KIAA1161-related conditions. This variant is present in population databases (no rsID available, gnomAD 0.006%). This sequence change replaces lysine, which is basic and polar, with arginine, which is basic and polar, at codon 461 of the KIAA1161 protein (p.Lys461Arg).

NM_020702.5(MYORG):c.1382A>G (p.Lys461Arg)

Gene: MYORG (myogenesis regulating glycosidase; minus strand). Cytogenetic location: 9p13.3.
Variant type: single nucleotide variant.
Coding change: c.1382A>G on transcript NM_020702.5 (MANE Select); coding-DNA position 1382, A replaced by G.
Protein change: p.Lys461Arg; replaces lysine 461 with arginine.
Molecular consequence: missense variant.
Genome position (GRCh38, 1-based): chr9:34,371,562, T>C on the plus strand (A>G on the coding strand, the complement: MYORG is on the minus strand). VCF-style: chr9-34371562-T-C. GRCh37 (hg19) VCF-style: chr9-34371560-T-C.
Other names: short protein forms K461R.
Identifiers: ClinVar variation 1681299 (VCV001681299.6), dbSNP rs1444644410, ClinGen allele CA373241536.